The following is an entry in ClinVar:

ClinVar aggregate classification (germline): Conflicting classifications of pathogenicity. Review status: criteria provided, conflicting classifications (1 of 4 stars). 3 submissions from 3 submitters: Pathogenic (1); Likely pathogenic (1); Uncertain significance (1). Last evaluated 2026-01-22.

Conditions:
Alport syndrome. Also called: Hemorrhagic familial nephritis; Hemorrhagic hereditary nephritis; Congenital hereditary hematuria. Identifiers: Orphanet 63, MedGen C1567741, MONDO:0018965.
Hematuria. Identifiers: MedGen C0018965, HP:0000790.

Submissions (3):

Victorian Clinical Genetics Services, Murdoch Childrens Research Institute
Classification: Pathogenic for Alport syndrome. Last evaluated: 2026-01-22. Review status: criteria provided, single submitter. Criteria: ACMG Guidelines, 2015. Collection method: clinical testing. Allele origin: germline. Affected: yes.
Comment: This variant is classified as Pathogenic. Evidence in support of pathogenic classification: Variant is absent from gnomAD (v2, v3 and v4); This variant has limited previous evidence of pathogenicity in unrelated individuals. This variant has been reported in three affected members of one family (PMID: 33838161), and in another unrelated individual (PMID: 33532864, 29801666); Variant is located in the well-established functional Gly-X-Y motif (DECIPHER); Missense variant consistently predicted to be damaging by in silico tool or highly conserved with a major amino acid change. Additional information: Variant is predicted to result in a missense amino acid change from glycine to arginine; This variant is heterozygous; This gene is associated with both recessive and dominant disease. Alport syndrome typically has biallelic inheritance, although rare cases of monoallelic inheritance have been reported (PMID: 28704582). Thin basement membrane nephropathy (TBMN) and focal segmental glomerulosclerosis (FSGS) are associated with autosomal dominant inheritance (OMIM, PMIDs: 16467446, 17942953). (I) - Segregation evidence for this variant is inconclusive. The variant was identified in three affected family members; however, their relationship was not reported (PMID: 33838161); Another missense variant comparable to the one identified in this case has inconclusive previous evidence for pathogenicity. p.(Gly1069Glu) was reported in a child with autosomal recessive Alport syndrome (PMID: 22887978); however this is classified as a VUS in ClinVar; Loss of function is a known mechanism of disease for this gene and is associated with Alport syndrome. Dominant negative is a suspected mechanism of disease for this gene as it is a structural protein (PMIDs: 12028435, 24046192).

Genetics Laboratory, Great Ormond Street Hospital NHS Foundation Trust, North Thames Genomic Laboratory Hub
Classification: Likely pathogenic for Haematuria. Last evaluated: 2025-10-09. Review status: criteria provided, single submitter. Criteria: ACGS Best Practice Guidelines for Variant Classification in Rare Disease 2024 v1.2. Collection method: clinical testing. Allele origin: germline. Affected: yes.
Comment: PM2_moderate, PM1_strong

Labcorp Genetics (formerly Invitae), Labcorp
Classification: Uncertain significance. Last evaluated: 2025-08-06. Review status: criteria provided, single submitter. Criteria: Invitae Variant Classification Sherloc (09022015). Collection method: clinical testing. Allele origin: germline.
Comment: This sequence change replaces glycine, which is neutral and non-polar, with arginine, which is basic and polar, at codon 1069 of the COL4A4 protein (p.Gly1069Arg). This variant is not present in population databases (gnomAD no frequency). This variant has not been reported in the literature in individuals affected with COL4A4-related conditions. Invitae Evidence Modeling of protein sequence and biophysical properties (such as structural, functional, and spatial information, amino acid conservation, physicochemical variation, residue mobility, and thermodynamic stability) indicates that this missense variant is expected to disrupt COL4A4 protein function with a positive predictive value of 95%. In summary, the available evidence is currently insufficient to determine the role of this variant in disease. Therefore, it has been classified as a Variant of Uncertain Significance.

Literature cited by the submitters: PubMed 17942953 (cited by Victorian Clinical Genetics Services, Murdoch Childrens Research Institute); PubMed 33838161 (cited by Victorian Clinical Genetics Services, Murdoch Childrens Research Institute); PubMed 12028435 (cited by Victorian Clinical Genetics Services, Murdoch Childrens Research Institute); PubMed 28704582 (cited by Victorian Clinical Genetics Services, Murdoch Childrens Research Institute); PubMed 24046192 (cited by Victorian Clinical Genetics Services, Murdoch Childrens Research Institute); PubMed 16467446 (cited by Victorian Clinical Genetics Services, Murdoch Childrens Research Institute); PubMed 29801666 (cited by Victorian Clinical Genetics Services, Murdoch Childrens Research Institute); PubMed 33532864 (cited by Victorian Clinical Genetics Services, Murdoch Childrens Research Institute).

NM_000092.5(COL4A4):c.3205G>A (p.Gly1069Arg)

Gene: COL4A4 (collagen type IV alpha 4 chain; minus strand). Cytogenetic location: 2q36.3.
Variant type: single nucleotide variant.
Coding change: c.3205G>A on transcript NM_000092.5 (MANE Select); coding-DNA position 3205, G replaced by A.
Protein change: p.Gly1069Arg; replaces glycine 1069 with arginine.
Molecular consequence: missense variant.
Genome position (GRCh38, 1-based): chr2:227,050,077, C>T on the plus strand (G>A on the coding strand, the complement: COL4A4 is on the minus strand). VCF-style: chr2-227050077-C-T. GRCh37 (hg19) VCF-style: chr2-227914793-C-T.
Other names: short protein forms G1069R.
Identifiers: ClinVar variation 4531828 (VCV004531828.4).